The following is an entry in ClinVar:

ClinVar aggregate classification (germline): Uncertain significance. Review status: criteria provided, multiple submitters, no conflicts (2 of 4 stars). 2 submissions from 2 submitters: Uncertain significance (2). Last evaluated 2024-05-16.

Conditions:
Autosomal dominant Parkinson disease 8. Also called: LRRK2-Related Parkinson Disease; Parkinson disease 8; Parkinson disease 8, susceptibility to. Identifiers: Orphanet 411602, MedGen C1846862, MONDO:0011764, OMIM 607060.
Inborn genetic diseases. Identifiers: MedGen C0950123, MeSH D030342.

Allele frequency attached by ClinVar (database versions not stated): gnomAD exomes below 0.00001.
gnomAD v4.1: 7 of 1,613,958 alleles (0.00043%); highest among the groups gnomAD compares: South Asian, 0.0066%; no homozygotes.

Submissions (2):

Ambry Genetics
Classification: Uncertain significance for Inborn genetic diseases. Last evaluated: 2024-05-16. Review status: criteria provided, single submitter. Criteria: Ambry Variant Classification Scheme 2023. Collection method: clinical testing. Allele origin: germline.
Comment: The p.C1082R variant (also known as c.3244T>C), located in coding exon 24 of the LRRK2 gene, results from a T to C substitution at nucleotide position 3244. The cysteine at codon 1082 is replaced by arginine, an amino acid with highly dissimilar properties. This amino acid position is conserved. In addition, the in silico prediction for this alteration is inconclusive. Based on the available evidence, the clinical significance of this variant remains unclear.

Labcorp Genetics (formerly Invitae), Labcorp
Classification: Uncertain significance for Autosomal dominant Parkinson disease 8. Last evaluated: 2022-08-07. Review status: criteria provided, single submitter. Criteria: Invitae Variant Classification Sherloc (09022015). Collection method: clinical testing. Allele origin: germline.
Comment: This variant has not been reported in the literature in individuals affected with LRRK2-related conditions. This sequence change replaces cysteine, which is neutral and slightly polar, with arginine, which is basic and polar, at codon 1082 of the LRRK2 protein (p.Cys1082Arg). This variant is present in population databases (no rsID available, gnomAD 0.006%). Algorithms developed to predict the effect of missense changes on protein structure and function are either unavailable or do not agree on the potential impact of this missense change (SIFT: "Tolerated"; PolyPhen-2: "Probably Damaging"; Align-GVGD: "Class C0"). In summary, the available evidence is currently insufficient to determine the role of this variant in disease. Therefore, it has been classified as a Variant of Uncertain Significance.

NM_198578.4(LRRK2):c.3244T>C (p.Cys1082Arg)

Gene: LRRK2 (leucine rich repeat kinase 2; plus strand). Cytogenetic location: 12q12.
Variant type: single nucleotide variant.
Coding change: c.3244T>C on transcript NM_198578.4 (MANE Select); coding-DNA position 3244, T replaced by C.
Protein change: p.Cys1082Arg; replaces cysteine 1082 with arginine.
Molecular consequence: missense variant.
Genome position (GRCh38, 1-based): chr12:40,298,390, T>C. VCF-style: chr12-40298390-T-C. GRCh37 (hg19) VCF-style: chr12-40692192-T-C.
Other names: c.3244T>C (NM_198578.3); short protein forms C1082R.
Identifiers: ClinVar variation 2056240 (VCV002056240.5), dbSNP rs1194977332, ClinGen allele CA384414777.